The following is an entry in ClinVar:

NM_001195263.2(PDZD7):c.1216C>T (p.Arg406Cys)

Gene: PDZD7 (PDZ domain containing 7; minus strand). Cytogenetic location: 10q24.31.
Variant type: single nucleotide variant.
Coding change: c.1216C>T on transcript NM_001195263.2 (MANE Select); coding-DNA position 1216, C replaced by T.
Protein change: p.Arg406Cys; replaces arginine 406 with cysteine.
Molecular consequence: missense variant.
Genome position (GRCh38, 1-based): chr10:101,018,930, G>A on the plus strand (C>T on the coding strand, the complement: PDZD7 is on the minus strand). VCF-style: chr10-101018930-G-A. GRCh37 (hg19) VCF-style: chr10-102778687-G-A.
Other names: c.1216C>T, p.Arg406Cys (NM_001351044.2, NM_024895.5); short protein forms R406C.
Identifiers: ClinVar variation 1058826 (VCV001058826.9), dbSNP rs1309845047, ClinGen allele CA378228518.

ClinVar aggregate classification (germline): Uncertain significance (1 of 4 stars; one submission).

Allele frequency attached by ClinVar (database versions not stated): gnomAD exomes below 0.00001; gnomAD 0.00001; TOPMed 0.00002.
gnomAD v4.1: 9 of 1,602,790 alleles (0.00056%); highest among the groups gnomAD compares: Non-Finnish European, 0.00077%; no homozygotes.

Submission:

Labcorp Genetics (formerly Invitae), Labcorp
Classification: Uncertain significance. Last evaluated: 2021-07-28. Review status: criteria provided, single submitter. Criteria: Invitae Variant Classification Sherloc (09022015). Collection method: clinical testing. Allele origin: germline.
Comment: In summary, the available evidence is currently insufficient to determine the role of this variant in disease. Therefore, it has been classified as a Variant of Uncertain Significance. Algorithms developed to predict the effect of missense changes on protein structure and function output the following: SIFT: "Deleterious"; PolyPhen-2: "Not Available"; Align-GVGD: "Class C0". The cysteine amino acid residue is found in multiple mammalian species, suggesting that this missense change does not adversely affect protein function. These predictions have not been confirmed by published functional studies and their clinical significance is uncertain. This variant has not been reported in the literature in individuals with PDZD7-related conditions. This variant is not present in population databases (ExAC no frequency). This sequence change replaces arginine with cysteine at codon 406 of the PDZD7 protein (p.Arg406Cys). The arginine residue is moderately conserved and there is a large physicochemical difference between arginine and cysteine.